The following is an entry in ClinVar:

ClinVar aggregate classification (germline): Likely benign (1 of 4 stars; one submission).

Conditions:
Neonatal insulin-dependent diabetes mellitus. Identifiers: MedGen C3278636, HP:0000857.

Allele frequency attached by ClinVar (database versions not stated): ExAC 0.00003; gnomAD exomes 0.00003; ESP Exome Variant Server 0.00008; TOPMed 0.00005.
gnomAD v4.1: 13 of 1,612,534 alleles (0.00081%); highest among the groups gnomAD compares: Middle Eastern, 0.016%; no homozygotes.

Submission:

Clinical Genomics, Uppaluri K&H Personalized Medicine Clinic
Classification: Likely benign for Neonatal insulin-dependent diabetes mellitus. Review status: criteria provided, single submitter. Criteria: K & H Uppaluri Personalized Medicine Clinic Variant Classification & Assertion Criteria_Updated V.1. Collection method: research. Allele origin: unknown.
Comment: Mutations in INS gene can cause early onset diabetes mellitus which is insulin dependent. May have poor response to sulfonylureas, as this mutation can cause beta cell destruction. However no sufficient evidence is found to ascertain the role of this particular variant rs375371953, yet.

Literature cited by the submitters: PubMed 11921414; PubMed 25542748; PubMed 26101329; PubMed 18171712.

NM_000207.3(INS):c.66C>T (p.Ala22=)

Genes: INS (insulin; minus strand), INS-IGF2 (INS-IGF2 readthrough; minus strand). Cytogenetic location: 11p15.5.
Variant type: single nucleotide variant.
Coding change: c.66C>T on transcript NM_000207.3 (MANE Select); coding-DNA position 66, C replaced by T.
Protein change: p.Ala22=; no amino-acid change (alanine 22 retained).
Molecular consequence: synonymous variant. On other transcripts: non-coding transcript variant (1).
Genome position (GRCh38, 1-based): chr11:2,160,906, G>A on the plus strand (C>T on the coding strand, the complement: INS is on the minus strand). VCF-style: chr11-2160906-G-A. GRCh37 (hg19) VCF-style: chr11-2182136-G-A.
Other names: c.66C>T, p.Ala22= (NM_001185097.2, NM_001185098.2, NM_001291897.2 and 1 more transcripts).
Identifiers: ClinVar variation 304056 (VCV000304056.6), dbSNP rs375371953, ClinGen allele CA5818194.
Genomic context (GRCh38, chr11:2,160,906, plus strand): 5'-CACTAGGTAGAGAGCTTCCACCAGGTGTGAGCCGCACAGGTGTTGGTTCACAAAGGCTGC[G>A]GCTGGGTCAGGTCCCCAGAGGGCCAGCAGCGCCAGCAGGGGCAGGAGGCGCATCCACAGG-3'
Protein context (NP_000198.1, residues 12-32): ALLALWGPDP[Ala22=]AAFVNQHLCG